The following is an entry in ClinVar:

NM_000038.6(APC):c.3166A>C (p.Ile1056Leu)

Gene: APC (APC regulator of Wnt signaling pathway; plus strand). Cytogenetic location: 5q22.2.
Variant type: single nucleotide variant.
Coding change: c.3166A>C on transcript NM_000038.6 (MANE Select); coding-DNA position 3166, A replaced by C.
Protein change: p.Ile1056Leu; replaces isoleucine 1056 with leucine.
Molecular consequence: missense variant.
Genome position (GRCh38, 1-based): chr5:112,838,760, A>C. VCF-style: chr5-112838760-A-C. GRCh37 (hg19) VCF-style: chr5-112174457-A-C.
Other names: c.3166A>C, p.Ile1056Leu (NM_001127510.3, NM_001354895.2); c.3112A>C, p.Ile1038Leu (NM_001127511.3); c.3220A>C, p.Ile1074Leu (NM_001354896.2); c.3196A>C, p.Ile1066Leu (NM_001354897.2); c.3091A>C, p.Ile1031Leu (NM_001354898.2); c.3082A>C, p.Ile1028Leu (NM_001354899.2); c.3043A>C, p.Ile1015Leu (NM_001354900.2); c.2989A>C, p.Ile997Leu (NM_001354901.2); and 5 more; short protein forms I1015L, I1028L, I930L, I1056L, I1066L, I997L, I1038L, I773L.
Identifiers: ClinVar variation 945883 (VCV000945883.11), dbSNP rs770526770, ClinGen allele CA034532.

ClinVar aggregate classification (germline): Conflicting classifications of pathogenicity. Review status: criteria provided, conflicting classifications (1 of 4 stars). 2 submissions from 2 submitters: Uncertain significance (1); Likely benign (1). Last evaluated 2024-02-23.

Conditions:
Hereditary cancer-predisposing syndrome. Also called: Neoplastic Syndromes, Hereditary; Hereditary Cancer Syndrome; Tumor predisposition; Hereditary neoplastic syndrome. Identifiers: Orphanet 140162, MedGen C0027672, MeSH D009386, MONDO:0015356.
Familial adenomatous polyposis 1 (FAP1). Also called: POLYPOSIS, ADENOMATOUS INTESTINAL; FAMILIAL ADENOMATOUS POLYPOSIS 1, ATTENUATED. Identifiers: MedGen C2713442, MONDO:0021056, OMIM 175100. Disease mechanism: loss of function.

Allele frequency attached by ClinVar (database versions not stated): TOPMed below 0.00001; ExAC 0.00001; gnomAD 0.00001; gnomAD exomes 0.00001.
gnomAD v4.1: 4 of 1,614,052 alleles (0.00025%); highest among the groups gnomAD compares: African/African-American, 0.0053%; no homozygotes.

Submissions (2):

Labcorp Genetics (formerly Invitae), Labcorp
Classification: Uncertain significance for Familial adenomatous polyposis 1. Last evaluated: 2024-02-23. Review status: criteria provided, single submitter. Criteria: Invitae Variant Classification Sherloc (09022015). Collection method: clinical testing. Allele origin: germline.
Comment: This sequence change replaces isoleucine, which is neutral and non-polar, with leucine, which is neutral and non-polar, at codon 1056 of the APC protein (p.Ile1056Leu). This variant is present in population databases (rs770526770, gnomAD 0.02%). This variant has not been reported in the literature in individuals affected with APC-related conditions. ClinVar contains an entry for this variant (Variation ID: 945883). Advanced modeling of protein sequence and biophysical properties (such as structural, functional, and spatial information, amino acid conservation, physicochemical variation, residue mobility, and thermodynamic stability) performed at Invitae indicates that this missense variant is not expected to disrupt APC protein function with a negative predictive value of 95%. In summary, the available evidence is currently insufficient to determine the role of this variant in disease. Therefore, it has been classified as a Variant of Uncertain Significance.

Ambry Genetics
Classification: Likely benign for Hereditary cancer-predisposing syndrome. Last evaluated: 2022-06-21. Review status: criteria provided, single submitter. Criteria: Ambry Variant Classification Scheme 2023. Collection method: clinical testing. Allele origin: germline.